The following is an entry in ClinVar:

NM_032444.4(SLX4):c.3977C>T (p.Thr1326Ile)

Gene: SLX4 (SLX4 structure-specific endonuclease subunit; minus strand). Cytogenetic location: 16p13.3.
Variant type: single nucleotide variant.
Coding change: c.3977C>T on transcript NM_032444.4 (MANE Select); coding-DNA position 3977, C replaced by T.
Protein change: p.Thr1326Ile; replaces threonine 1326 with isoleucine.
Molecular consequence: missense variant.
Genome position (GRCh38, 1-based): chr16:3,589,661, G>A on the plus strand (C>T on the coding strand, the complement: SLX4 is on the minus strand). VCF-style: chr16-3589661-G-A. GRCh37 (hg19) VCF-style: chr16-3639662-G-A.
Other names: short protein forms T1326I.
Identifiers: ClinVar variation 1036777 (VCV001036777.8), dbSNP rs371394594, ClinGen allele CA7865773.

ClinVar aggregate classification (germline): Uncertain significance (1 of 4 stars; one submission).

Conditions:
Fanconi anemia (FA). Also called: Fanconi's anemia. Identifiers: Orphanet 84, MedGen C0015625, MeSH D005199, MONDO:0019391.

Allele frequency attached by ClinVar (database versions not stated): gnomAD exomes below 0.00001; ExAC 0.00001; gnomAD 0.00002; TOPMed 0.00002; ESP Exome Variant Server 0.00008.

Submission:

Labcorp Genetics (formerly Invitae), Labcorp
Classification: Uncertain significance for Fanconi anemia. Last evaluated: 2020-10-20. Review status: criteria provided, single submitter. Criteria: Invitae Variant Classification Sherloc (09022015). Collection method: clinical testing. Allele origin: germline.
Comment: Algorithms developed to predict the effect of missense changes on protein structure and function (SIFT, PolyPhen-2, Align-GVGD) all suggest that this variant is likely to be tolerated, but these predictions have not been confirmed by published functional studies and their clinical significance is uncertain. In summary, the available evidence is currently insufficient to determine the role of this variant in disease. Therefore, it has been classified as a Variant of Uncertain Significance. This variant has not been reported in the literature in individuals with SLX4-related conditions. This sequence change replaces threonine with isoleucine at codon 1326 of the SLX4 protein (p.Thr1326Ile). The threonine residue is weakly conserved and there is a moderate physicochemical difference between threonine and isoleucine. This variant is present in population databases (rs371394594, ExAC 0.01%).